The following is an entry in ClinVar:

ClinVar aggregate classification (germline): Benign. Review status: criteria provided, multiple submitters, no conflicts (2 of 4 stars). 3 submissions from 3 submitters: Benign (2). 1 of the submissions does not count toward it. Last evaluated 2019-12-31.

Conditions:
KCTD18-related disorder. Also called: KCTD18-related condition.

Allele frequency attached by ClinVar (database versions not stated): gnomAD exomes 0.00170 and 0.00514; ExAC 0.00660; gnomAD 0.01948 and 0.02071; TOPMed 0.02132; ESP Exome Variant Server 0.02145; 1000 Genomes Project 0.02676; 1000 Genomes Project 30x 0.02811.
gnomAD v4.1: 5,537 of 1,606,550 alleles (0.34%); highest among the groups gnomAD compares: African/African-American, 6.3%; 160 homozygotes.

Submissions (3):

Labcorp Genetics (formerly Invitae), Labcorp
Classification: Benign. Last evaluated: 2019-12-31. Review status: criteria provided, single submitter. Criteria: Invitae Variant Classification Sherloc (09022015). Collection method: clinical testing. Allele origin: germline.

Breakthrough Genomics
Classification: Benign. Review status: criteria provided, single submitter. Criteria: ACMG Guidelines, 2015. Collection method: not provided. Allele origin: germline. Inheritance: Unknown mechanism. Affected: yes.

PreventionGenetics, part of Exact Sciences
Classification: Benign for KCTD18-related condition. Last evaluated: 2019-07-12. Review status: no assertion criteria provided. Collection method: clinical testing. Allele origin: germline. Not counted in ClinVar's aggregate classification.
Comment: This variant is classified as benign based on ACMG/AMP sequence variant interpretation guidelines (Richards et al. 2015 PMID: 25741868, with internal and published modifications).

NM_152387.4(KCTD18):c.1238C>T (p.Ala413Val)

Gene: KCTD18 (potassium channel tetramerization domain containing 18; minus strand). Cytogenetic location: 2q33.1.
Variant type: single nucleotide variant.
Coding change: c.1238C>T on transcript NM_152387.4 (MANE Select); coding-DNA position 1238, C replaced by T.
Protein change: p.Ala413Val; replaces alanine 413 with valine.
Molecular consequence: missense variant.
Genome position (GRCh38, 1-based): chr2:200,490,143, G>A on the plus strand (C>T on the coding strand, the complement: KCTD18 is on the minus strand). VCF-style: chr2-200490143-G-A. GRCh37 (hg19) VCF-style: chr2-201354866-G-A.
Other names: c.1238C>T, p.Ala413Val (NM_001321547.2); c.611C>T, p.Ala204Val (NM_001321548.2, NM_001321550.2); c.1238C>T (NM_152387.3); short protein forms A204V, A413V.
Identifiers: ClinVar variation 775804 (VCV000775804.7), dbSNP rs10203042, ClinGen allele CA2047452.